The following is an entry in ClinVar:

ClinVar aggregate classification (germline): Uncertain significance (1 of 4 stars; one submission).

Conditions:
Developmental and epileptic encephalopathy, 25 (DEE25). Also called: Developmental and epileptic encephalopathy 25, with amelogenesis imperfecta; Epileptic encephalopathy, early infantile, 25, with amelogenesis imperfecta; Epileptic encephalopathy, early infantile, 25. Identifiers: Orphanet 442835, MedGen C4014621, MONDO:0014392, OMIM 615905.

Submission:

Labcorp Genetics (formerly Invitae), Labcorp
Classification: Uncertain significance for Developmental and epileptic encephalopathy, 25. Last evaluated: 2022-03-13. Review status: criteria provided, single submitter. Criteria: Invitae Variant Classification Sherloc (09022015). Collection method: clinical testing. Allele origin: germline.
Comment: In summary, the available evidence is currently insufficient to determine the role of this variant in disease. Therefore, it has been classified as a Variant of Uncertain Significance. Algorithms developed to predict the effect of missense changes on protein structure and function are either unavailable or do not agree on the potential impact of this missense change (SIFT: "Tolerated"; PolyPhen-2: "Possibly Damaging"; Align-GVGD: "Class C0"). This variant has not been reported in the literature in individuals affected with SLC13A5-related conditions. This variant is not present in population databases (gnomAD no frequency). This sequence change replaces phenylalanine, which is neutral and non-polar, with cysteine, which is neutral and slightly polar, at codon 541 of the SLC13A5 protein (p.Phe541Cys).

NM_177550.5(SLC13A5):c.1622T>G (p.Phe541Cys)

Gene: SLC13A5 (solute carrier family 13 member 5; minus strand). Cytogenetic location: 17p13.1.
Variant type: single nucleotide variant.
Coding change: c.1622T>G on transcript NM_177550.5 (MANE Select); coding-DNA position 1622, T replaced by G.
Protein change: p.Phe541Cys; replaces phenylalanine 541 with cysteine.
Molecular consequence: missense variant.
Genome position (GRCh38, 1-based): chr17:6,686,292, A>C on the plus strand (T>G on the coding strand, the complement: SLC13A5 is on the minus strand). VCF-style: chr17-6686292-A-C. GRCh37 (hg19) VCF-style: chr17-6589611-A-C.
Other names: c.1484T>G, p.Phe495Cys (NM_001143838.3); c.1571T>G, p.Phe524Cys (NM_001284509.2); c.1493T>G, p.Phe498Cys (NM_001284510.2); short protein forms F495C, F498C, F524C, F541C.
Identifiers: ClinVar variation 2111118 (VCV002111118.4), dbSNP rs1567612345, ClinGen allele CA397737071.